The following is an entry in ClinVar:

NM_001197104.2(KMT2A):c.230G>A (p.Gly77Glu)

Gene: KMT2A (lysine methyltransferase 2A; plus strand). Cytogenetic location: 11q23.3.
Variant type: single nucleotide variant.
Coding change: c.230G>A on transcript NM_001197104.2 (MANE Select); coding-DNA position 230, G replaced by A.
Protein change: p.Gly77Glu; replaces glycine 77 with glutamic acid.
Molecular consequence: missense variant.
Genome position (GRCh38, 1-based): chr11:118,436,742, G>A. VCF-style: chr11-118436742-G-A. GRCh37 (hg19) VCF-style: chr11-118307457-G-A.
Other names: c.230G>A, p.Gly77Glu (NM_001412597.1, NM_005933.4); short protein forms G77E.
Identifiers: ClinVar variation 2416261 (VCV002416261.5), dbSNP rs782653706, ClinGen allele CA6303213.

ClinVar aggregate classification (germline): Uncertain significance (1 of 4 stars; one submission).

Allele frequency attached by ClinVar (database versions not stated): TOPMed 0.00002; gnomAD 0.00003.
gnomAD v4.1: 96 of 1,583,816 alleles (0.0061%); highest among the groups gnomAD compares: Non-Finnish European, 0.0081%; no homozygotes.

Submission:

Labcorp Genetics (formerly Invitae), Labcorp
Classification: Uncertain significance. Last evaluated: 2025-09-02. Review status: criteria provided, single submitter. Criteria: Invitae Variant Classification Sherloc (09022015). Collection method: clinical testing. Allele origin: germline.
Comment: This sequence change replaces glycine, which is neutral and non-polar, with glutamic acid, which is acidic and polar, at codon 77 of the KMT2A protein (p.Gly77Glu). The frequency data for this variant in the population databases is considered unreliable, as metrics indicate poor data quality at this position in the gnomAD database. This variant has not been reported in the literature in individuals affected with KMT2A-related conditions. ClinVar contains an entry for this variant (Variation ID: 2416261). Invitae Evidence Modeling of protein sequence and biophysical properties (such as structural, functional, and spatial information, amino acid conservation, physicochemical variation, residue mobility, and thermodynamic stability) indicates that this missense variant is not expected to disrupt KMT2A protein function with a negative predictive value of 95%. In summary, the available evidence is currently insufficient to determine the role of this variant in disease. Therefore, it has been classified as a Variant of Uncertain Significance.